The following is an entry in ClinVar:

ClinVar aggregate classification (germline): Pathogenic (1 of 4 stars; one submission).

Submission:

ISCA site 14
Classification: Pathogenic. Last evaluated: 2011-08-12. Review status: criteria provided, single submitter. Criteria: Kaminsky et al. (Genet Med. 2011). Collection method: clinical testing. Allele origin: de novo. Affected: yes. Observed: 1 variant allele.
Comment: Copy number variation identified through the course of routine clinical cytogenomic testing in postnatal populations. Clinical assertions have been curated as described in Kaminsky et al. 2011.

GRCh38/hg38 3q28(chr3:188362559-189767088)x1

Genes: LPP (LIM domain containing preferred translocation partner in lipoma; plus strand), LPP-AS1 (LPP antisense RNA 1; minus strand), MIR28 (microRNA 28; plus strand), TP63 (tumor protein p63; plus strand), TPRG1 (tumor protein p63 regulated 1; plus strand) and 19 more. Cytogenetic location: 3q28.
Variant type: copy number loss.
Change: copy number 1 (one copy instead of two) of chr3:188,362,559-189,767,088 (1.40 Mb, GRCh38 coordinates, 1-based), cytogenetic band 3q28.
Identifiers: ClinVar variation 57872 (VCV000057872.1).